The following is an entry in ClinVar:

ClinVar aggregate classification (germline): Benign. Review status: criteria provided, multiple submitters, no conflicts (2 of 4 stars). 21 submissions from 17 submitters: Benign (16). 5 of the submissions do not count toward it. Last evaluated 2026-02-04.

Conditions:
Congenital Muscular Dystrophy, alpha-dystroglycan related.
Retinitis pigmentosa 76 (RP76). Identifiers: MedGen C4310704, MONDO:0014929, OMIM 617123.
Muscular dystrophy-dystroglycanopathy (congenital with impaired intellectual development), type B, 3. Also called: MUSCULAR DYSTROPHY, CONGENITAL, POMGNT1-RELATED; Muscular dystrophy-dystroglycanopathy (congenital with intellectual disability), type B3. Identifiers: MedGen C3150412, MONDO:0013155, OMIM 613151.
Autosomal recessive limb-girdle muscular dystrophy type 2O. Also called: MUSCULAR DYSTROPHY-DYSTROGLYCANOPATHY, LIMB-GIRDLE, POMGNT1-RELATED; MUSCULAR DYSTROPHY-DYSTROGLYCANOPATHY (LIMB-GIRDLE), TYPE C, 3; Limb-Girdle Muscular Dystrophy Type 3C. Identifiers: Orphanet 206564, MedGen C3150417, MONDO:0013161, OMIM 613157.
Muscular dystrophy-dystroglycanopathy (congenital with brain and eye anomalies), type A3. Also called: Congenital muscular dystrophy-dystroglycanopathy with brain and eye anomalies, type A3; WALKER-WARBURG SYNDROME OR MUSCLE-EYE-BRAIN DISEASE, POMGNT1-RELATED; Muscular dystrophy-dystroglycanopathy (congenital with brain and eye anomalies), type A, 3. Identifiers: MedGen C3151519, MONDO:0009667, OMIM 253280.
Retinal dystrophy. Also called: Inherited retinal dystrophy. Identifiers: Orphanet 71862, MedGen C0854723, MeSH D058499, MONDO:0019118, HP:0000556.
Muscle eye brain disease (MEB). Also called: Santavuori congenital muscular dystrophy. Identifiers: Orphanet 588, Orphanet 899, MedGen C0457133, MONDO:0018939.

Allele frequency attached by ClinVar (database versions not stated): 1000 Genomes Project 0.33347; 1000 Genomes Project 30x 0.33463; TOPMed 0.34336; gnomAD 0.34915 and 0.35029; ESP Exome Variant Server 0.34968; ExAC 0.35486; gnomAD exomes 0.35500 and 0.35518.
gnomAD v4.1: 571,338 of 1,613,968 alleles (35%); highest among the groups gnomAD compares: South Asian, 45%; 103,172 homozygotes.

Submissions (21):

Labcorp Genetics (formerly Invitae), Labcorp
Classification: Benign for Autosomal recessive limb-girdle muscular dystrophy type 2O; Muscular dystrophy-dystroglycanopathy (congenital with impaired intellectual development), type B, 3. Last evaluated: 2026-02-04. Review status: criteria provided, single submitter. Criteria: Invitae Variant Classification Sherloc (09022015). Collection method: clinical testing. Allele origin: germline.

Blueprint Genetics
Classification: Benign. Last evaluated: 2024-11-26. Review status: criteria provided, single submitter. Criteria: ACMG Guidelines, 2015. Collection method: clinical testing. Allele origin: germline.

Dept Of Ophthalmology, Nagoya University
Classification: Benign for Retinal dystrophy. Last evaluated: 2023-10-01. Review status: criteria provided, single submitter. Criteria: Submitter's publication. Collection method: research. Allele origin: germline. Affected: yes.

Mayo Clinic Laboratories, Mayo Clinic
Classification: Benign. Last evaluated: 2023-06-09. Review status: criteria provided, single submitter. Criteria: ACMG Guidelines, 2015. Collection method: clinical testing. Allele origin: germline. Observed: 738 variant alleles.

Genome-Nilou Lab
Classification: Benign for Muscular dystrophy-dystroglycanopathy (congenital with impaired intellectual development), type B, 3. Last evaluated: 2021-10-25. Review status: criteria provided, single submitter. Criteria: ACMG Guidelines, 2015. Collection method: clinical testing. Allele origin: germline. Affected: no.

Genome-Nilou Lab
Classification: Benign for Autosomal recessive limb-girdle muscular dystrophy type 2O. Last evaluated: 2021-10-25. Review status: criteria provided, single submitter. Criteria: ACMG Guidelines, 2015. Collection method: clinical testing. Allele origin: germline. Affected: no.

Genome-Nilou Lab
Classification: Benign for Muscular dystrophy-dystroglycanopathy (congenital with brain and eye anomalies), type A3. Last evaluated: 2021-07-01. Review status: criteria provided, single submitter. Criteria: ACMG Guidelines, 2015. Collection method: clinical testing. Allele origin: germline. Affected: no.

Genome-Nilou Lab
Classification: Benign for Retinitis pigmentosa 76. Last evaluated: 2021-07-01. Review status: criteria provided, single submitter. Criteria: ACMG Guidelines, 2015. Collection method: clinical testing. Allele origin: germline. Affected: no.

Illumina Laboratory Services, Illumina
Classification: Benign for Autosomal recessive limb-girdle muscular dystrophy type 2O. Last evaluated: 2018-01-13. Review status: criteria provided, single submitter. Criteria: ICSL Variant Classification Criteria 13 December 2019. Collection method: clinical testing. Allele origin: germline.
Comment: This variant was observed in the ICSL laboratory as part of a predisposition screen in an ostensibly healthy population. It had not been previously curated by ICSL or reported in the Human Gene Mutation Database (HGMD: prior to June 1st, 2018), and was therefore a candidate for classification through an automated scoring system. Utilizing variant allele frequency, disease prevalence and penetrance estimates, and inheritance mode, an automated score was calculated to assess if this variant is too frequent to cause the disease. Based on the score and internal cut-off values, a variant classified as benign is not then subjected to further curation. The score for this variant resulted in a classification of benign for this disease.

Illumina Laboratory Services, Illumina
Classification: Benign for Congenital Muscular Dystrophy, alpha-dystroglycan related. Last evaluated: 2018-01-13. Review status: criteria provided, single submitter. Criteria: ICSL Variant Classification Criteria 13 December 2019. Collection method: clinical testing. Allele origin: germline.
Comment: the same text as in the submission from Illumina Laboratory Services, Illumina above.

Athena Diagnostics
Classification: Benign. Last evaluated: 2017-04-14. Review status: criteria provided, single submitter. Criteria: Athena Diagnostics Criteria. Collection method: clinical testing. Allele origin: germline.

GeneDx
Classification: Benign. Last evaluated: 2015-03-03. Review status: criteria provided, single submitter. Criteria: GeneDx Variant Classification Process June 2021. Collection method: clinical testing. Allele origin: germline. Affected: yes.

Laboratory for Molecular Medicine, Mass General Brigham Personalized Medicine
Classification: Benign. Last evaluated: 2014-11-26. Review status: criteria provided, single submitter. Criteria: LMM Criteria. Collection method: clinical testing. Allele origin: germline. Observed: 10 variant alleles.
Comment: p.Lys227Lys in exon 8 of POMGNT1: This variant is not expected to have clinical significance because it has been identified in 35% (3000/8600) of European Ameri can chromosomes by the NHLBI Exome Sequencing Project (. edu/EVS/; dbSNP rs2292487).

Eurofins Ntd Llc (ga)
Classification: Benign. Last evaluated: 2012-07-18. Review status: criteria provided, single submitter. Criteria: EGL Classification Definitions 2015. Collection method: clinical testing. Allele origin: germline. Observed: 47 variant alleles, 34 heterozygotes, 13 homozygotes.

Breakthrough Genomics
Classification: Benign. Review status: criteria provided, single submitter. Criteria: ACMG Guidelines, 2015. Collection method: not provided. Allele origin: germline. Inheritance: Autosomal recessive inheritance. Affected: yes.

PreventionGenetics, part of Exact Sciences
Classification: Benign. Review status: criteria provided, single submitter. Criteria: ACMG Guidelines, 2015. Collection method: clinical testing. Allele origin: germline.

Natera, Inc.
Classification: Benign for Muscle-eye-brain disease. Last evaluated: 2020-09-16. Review status: no assertion criteria provided. Collection method: clinical testing. Allele origin: germline. Not counted in ClinVar's aggregate classification.

Clinical Genetics DNA and cytogenetics Diagnostics Lab, Erasmus MC, Erasmus Medical Center
Classification: Benign. Review status: no assertion criteria provided. Collection method: clinical testing. Allele origin: germline. Affected: yes. Study: VKGL Data-share Consensus. Not counted in ClinVar's aggregate classification.

Clinical Genetics, Academic Medical Center
Classification: Benign. Review status: no assertion criteria provided. Collection method: clinical testing. Allele origin: germline. Affected: yes. Study: VKGL Data-share Consensus. Not counted in ClinVar's aggregate classification.

Diagnostic Laboratory, Department of Genetics, University Medical Center Groningen
Classification: Benign. Review status: no assertion criteria provided. Collection method: clinical testing. Allele origin: germline. Affected: yes. Study: VKGL Data-share Consensus. Not counted in ClinVar's aggregate classification.

Genetic Services Laboratory, University of Chicago
Classification: Likely benign for AllHighlyPenetrant. Review status: no assertion criteria provided. Collection method: clinical testing. Allele origin: germline. Inheritance: Autosomal recessive inheritance. Not counted in ClinVar's aggregate classification.
Comment: Likely benign based on allele frequency in 1000 Genomes Project or ESP global frequency and its presence in a patient with a rare or unrelated disease phenotype. NOT Sanger confirmed.

NM_017739.4(POMGNT1):c.681A>G (p.Lys227=)

Genes: POMGNT1 (protein O-linked mannose N-acetylglucosaminyltransferase 1 (beta 1,2-); minus strand), TSPAN1 (tetraspanin 1; plus strand). Cytogenetic location: 1p34.1.
Variant type: single nucleotide variant.
Coding change: c.681A>G on transcript NM_017739.4 (MANE Select); coding-DNA position 681, A replaced by G.
Protein change: p.Lys227=; no amino-acid change (lysine 227 retained).
Molecular consequence: synonymous variant.
Genome position (GRCh38, 1-based): chr1:46,194,623, T>C on the plus strand (A>G on the coding strand, the complement: POMGNT1 is on the minus strand). VCF-style: chr1-46194623-T-C. GRCh37 (hg19) VCF-style: chr1-46660295-T-C.
Other names: p.Lys227=; c.681A>G, p.Lys227= (NM_001243766.2, NM_001410783.1); c.615A>G, p.Lys205= (NM_001290129.3); c.252A>G, p.Lys84= (NM_001290130.2).
Identifiers: ClinVar variation 95761 (VCV000095761.40), dbSNP rs2292487, ClinGen allele CA148810.
Genomic context (GRCh38, chr1:46,194,623, plus strand): 5'-GCTCAATGGCACATCTGTCTTCAGCAGGACTGGGTCCCCCCAGGAAGAGAGGGCAGGTGA[T>C]TTAGAATGTTTCTCCCCGAAGACAGGACCTGGCAGGAGGCAGGAATGAGGGCCATGGGGG-3'
Protein context (NP_060209.4, residues 217-237): GGPVFGEKHS[Lys227=]SPALSSWGDP